The following is an entry in ClinVar:

ClinVar aggregate classification (germline): Uncertain significance (1 of 4 stars; one submission).

Conditions:
Cardiomyopathy (CMYO). Also called: Cardiomyopathies. Identifiers: Orphanet 167848, MedGen C0878544, MONDO:0004994, HP:0001638. Inheritance: Various modes of inheritance.

Submission:

Color Diagnostics, LLC DBA Color Health
Classification: Uncertain significance for Cardiomyopathy. Last evaluated: 2025-10-12. Review status: criteria provided, single submitter. Criteria: ACMG Guidelines, 2015. Collection method: clinical testing. Allele origin: germline.
Comment: This missense variant replaces lysine with glutamine at codon 685 of the MYBPC3 protein. Computational prediction is inconclusive regarding the impact of this variant on protein structure and function. To our knowledge, functional studies have not been reported for this variant. This variant has not been reported in individuals affected with MYBPC3-related disorders in the literature. This variant has not been identified in the general population by the Genome Aggregation Database (gnomAD). The available evidence is insufficient to determine the role of this variant in disease conclusively. Therefore, this variant is classified as a Variant of Uncertain Significance.

NM_000256.3(MYBPC3):c.2053A>C (p.Lys685Gln)

Gene: MYBPC3 (myosin binding protein C3; minus strand). Cytogenetic location: 11p11.2.
Variant type: single nucleotide variant.
Coding change: c.2053A>C on transcript NM_000256.3 (MANE Select); coding-DNA position 2053, A replaced by C.
Protein change: p.Lys685Gln; replaces lysine 685 with glutamine.
Molecular consequence: missense variant.
Genome position (GRCh38, 1-based): chr11:47,339,665, T>G on the plus strand (A>C on the coding strand, the complement: MYBPC3 is on the minus strand). VCF-style: chr11-47339665-T-G. GRCh37 (hg19) VCF-style: chr11-47361216-T-G.
Other names: short protein forms K685Q.
Identifiers: ClinVar variation 4758135 (VCV004758135.1).